The following is an entry in ClinVar:

NM_002485.5(NBN):c.1612A>G (p.Lys538Glu)

Gene: NBN (nibrin; minus strand). Cytogenetic location: 8q21.3.
Variant type: single nucleotide variant.
Coding change: c.1612A>G on transcript NM_002485.5 (MANE Select); coding-DNA position 1612, A replaced by G.
Protein change: p.Lys538Glu; replaces lysine 538 with glutamic acid.
Molecular consequence: missense variant.
Genome position (GRCh38, 1-based): chr8:89,953,477, T>C on the plus strand (A>G on the coding strand, the complement: NBN is on the minus strand). VCF-style: chr8-89953477-T-C. GRCh37 (hg19) VCF-style: chr8-90965705-T-C.
Other names: c.1612A>G (NM_002485.4); c.1366A>G, p.Lys456Glu (NM_001024688.3); short protein forms K456E, K538E.
Identifiers: ClinVar variation 1480666 (VCV001480666.7), dbSNP rs2129700125, ClinGen allele CA371655481.

ClinVar aggregate classification (germline): Uncertain significance. Review status: criteria provided, multiple submitters, no conflicts (2 of 4 stars). 2 submissions from 2 submitters: Uncertain significance (2). Last evaluated 2025-08-01.

Conditions:
Hereditary cancer-predisposing syndrome. Also called: Hereditary neoplastic syndrome; Tumor predisposition; Neoplastic Syndromes, Hereditary; Hereditary Cancer Syndrome. Identifiers: Orphanet 140162, MedGen C0027672, MeSH D009386, MONDO:0015356.
Microcephaly, normal intelligence and immunodeficiency (NBS). Also called: Nijmegen breakage syndrome; Microcephaly with normal intelligence immunodeficiency and lymphoreticular malignancies; Nonsyndromal microcephaly autosomal recessive with normal intelligence; Seemanova syndrome 2; IMMUNODEFICIENCY, MICROCEPHALY, AND CHROMOSOMAL INSTABILITY; SEEMANOVA SYNDROME II. Identifiers: Orphanet 647, MedGen C0398791, MONDO:0009623, OMIM 251260.

Allele frequency attached by ClinVar (database versions not stated): gnomAD exomes below 0.00001.
gnomAD v4.1: 1 of 1,613,706 alleles (0.000062%); highest among the groups gnomAD compares: Non-Finnish European, 0.000085%; no homozygotes.

Submissions (2):

Ambry Genetics
Classification: Uncertain significance for Hereditary cancer-predisposing syndrome. Last evaluated: 2025-08-01. Review status: criteria provided, single submitter. Criteria: Ambry Variant Classification Scheme 2023. Collection method: clinical testing. Allele origin: germline.
Comment: The p.K538E variant (also known as c.1612A>G), located in coding exon 11 of the NBN gene, results from an A to G substitution at nucleotide position 1612. The lysine at codon 538 is replaced by glutamic acid, an amino acid with similar properties. This amino acid position is conserved. In addition, this alteration is predicted to be tolerated by in silico analysis. Based on the available evidence, the clinical significance of this variant remains unclear.

Labcorp Genetics (formerly Invitae), Labcorp
Classification: Uncertain significance for Microcephaly, normal intelligence and immunodeficiency. Last evaluated: 2022-08-21. Review status: criteria provided, single submitter. Criteria: Invitae Variant Classification Sherloc (09022015). Collection method: clinical testing. Allele origin: germline.
Comment: In summary, the available evidence is currently insufficient to determine the role of this variant in disease. Therefore, it has been classified as a Variant of Uncertain Significance. Algorithms developed to predict the effect of missense changes on protein structure and function output the following: SIFT: "Tolerated"; PolyPhen-2: "Benign"; Align-GVGD: "Class C0". The glutamic acid amino acid residue is found in multiple mammalian species, which suggests that this missense change does not adversely affect protein function. ClinVar contains an entry for this variant (Variation ID: 1480666). This variant has not been reported in the literature in individuals affected with NBN-related conditions. This variant is not present in population databases (gnomAD no frequency). This sequence change replaces lysine, which is basic and polar, with glutamic acid, which is acidic and polar, at codon 538 of the NBN protein (p.Lys538Glu).